The following is an entry in ClinVar:

ClinVar aggregate classification (germline): Uncertain significance (1 of 4 stars; one submission).

Conditions:
Cone-rod dystrophy 13 (CORD13). Identifiers: Orphanet 1872, MedGen C2750720, MONDO:0011987, OMIM 608194.
Leber congenital amaurosis 6 (LCA6). Identifiers: Orphanet 65, MedGen C1854260, MONDO:0013446, OMIM 613826.

Submission:

Labcorp Genetics (formerly Invitae), Labcorp
Classification: Uncertain significance for Leber congenital amaurosis 6; Cone-rod dystrophy 13. Last evaluated: 2023-06-30. Review status: criteria provided, single submitter. Criteria: Invitae Variant Classification Sherloc (09022015). Collection method: clinical testing. Allele origin: germline.
Comment: In summary, the available evidence is currently insufficient to determine the role of this variant in disease. Therefore, it has been classified as a Variant of Uncertain Significance. Variants that disrupt the consensus splice site are a relatively common cause of aberrant splicing (PMID: 17576681, 9536098). Algorithms developed to predict the effect of sequence changes on RNA splicing suggest that this variant may disrupt the consensus splice site. This variant has been observed in individual(s) with RPGRIP1-related conditions (Invitae). This variant is not present in population databases (gnomAD no frequency). This sequence change affects codon 789 of the RPGRIP1 mRNA. It is a 'silent' change, meaning that it does not change the encoded amino acid sequence of the RPGRIP1 protein. This variant also falls at the last nucleotide of exon 15, which is part of the consensus splice site for this exon.

Literature cited by the submitters: PubMed 17576681; PubMed 9536098.

NM_020366.4(RPGRIP1):c.2367G>A (p.Glu789=)

Gene: RPGRIP1 (RPGR interacting protein 1; plus strand). Cytogenetic location: 14q11.2.
Variant type: single nucleotide variant.
Coding change: c.2367G>A on transcript NM_020366.4 (MANE Select); coding-DNA position 2367, G replaced by A.
Protein change: p.Glu789=; no amino-acid change (glutamic acid 789 retained).
Molecular consequence: synonymous variant. On other transcripts: intron variant (4).
Genome position (GRCh38, 1-based): chr14:21,325,383, G>A. VCF-style: chr14-21325383-G-A. GRCh37 (hg19) VCF-style: chr14-21793542-G-A.
Other names: c.1293G>A, p.Glu431= (NM_001377948.1); c.796+658G>A (NM_001377949.1); c.689-2240G>A (NM_001377523.1, NM_001377950.1); c.191-2240G>A (NM_001377951.1).
Identifiers: ClinVar variation 2941541 (VCV002941541.3), dbSNP rs1366378608, ClinGen allele CA484986987.